The following is an entry in ClinVar:

NM_032833.5(PPP1R15B):c.368C>A (p.Ser123Tyr)

Gene: PPP1R15B (protein phosphatase 1 regulatory subunit 15B; minus strand). Cytogenetic location: 1q32.1.
Variant type: single nucleotide variant.
Coding change: c.368C>A on transcript NM_032833.5 (MANE Select); coding-DNA position 368, C replaced by A.
Protein change: p.Ser123Tyr; replaces serine 123 with tyrosine.
Molecular consequence: missense variant.
Genome position (GRCh38, 1-based): chr1:204,411,044, G>T on the plus strand (C>A on the coding strand, the complement: PPP1R15B is on the minus strand). VCF-style: chr1-204411044-G-T. GRCh37 (hg19) VCF-style: chr1-204380172-G-T.
Other names: c.368C>A (NM_032833.4); short protein forms S123Y.
Identifiers: ClinVar variation 2069208 (VCV002069208.7), dbSNP rs150472729, ClinGen allele CA1346829.

ClinVar aggregate classification (germline): Uncertain significance. Review status: criteria provided, multiple submitters, no conflicts (2 of 4 stars). 3 submissions from 3 submitters: Uncertain significance (3). Last evaluated 2025-11-26.

Conditions:
Inborn genetic diseases. Identifiers: MedGen C0950123, MeSH D030342.

Allele frequency attached by ClinVar (database versions not stated): ExAC 0.00002; TOPMed 0.00006; ESP Exome Variant Server 0.00008.
gnomAD v4.1: 294 of 1,614,094 alleles (0.018%); highest among the groups gnomAD compares: Non-Finnish European, 0.024%; no homozygotes.

Submissions (3):

Ambry Genetics
Classification: Uncertain significance for Inborn genetic diseases. Last evaluated: 2025-11-26. Review status: criteria provided, single submitter. Criteria: Ambry Variant Classification Scheme 2023. Collection method: clinical testing. Allele origin: germline.

Labcorp Genetics (formerly Invitae), Labcorp
Classification: Uncertain significance. Last evaluated: 2025-10-20. Review status: criteria provided, single submitter. Criteria: Invitae Variant Classification Sherloc (09022015). Collection method: clinical testing. Allele origin: germline.
Comment: This sequence change replaces serine, which is neutral and polar, with tyrosine, which is neutral and polar, at codon 123 of the PPP1R15B protein (p.Ser123Tyr). This variant is present in population databases (rs150472729, gnomAD 0.008%). This variant has not been reported in the literature in individuals affected with PPP1R15B-related conditions. ClinVar contains an entry for this variant (Variation ID: 2069208). Invitae Evidence Modeling of protein sequence and biophysical properties (such as structural, functional, and spatial information, amino acid conservation, physicochemical variation, residue mobility, and thermodynamic stability) has been performed for this missense variant. However, the output from this modeling did not meet the statistical confidence thresholds required to predict the impact of this variant on PPP1R15B protein function. In summary, the available evidence is currently insufficient to determine the role of this variant in disease. Therefore, it has been classified as a Variant of Uncertain Significance.

GeneDx
Classification: Uncertain significance. Last evaluated: 2023-02-13. Review status: criteria provided, single submitter. Criteria: GeneDx Variant Classification Process June 2021. Collection method: clinical testing. Allele origin: germline. Affected: yes.
Comment: In silico analysis supports that this missense variant does not alter protein structure/function; Has not been previously published as pathogenic or benign to our knowledge